The following is an entry in ClinVar:

ClinVar aggregate classification (germline): Likely benign. Review status: criteria provided, multiple submitters, no conflicts (2 of 4 stars). 2 submissions from 2 submitters: Likely benign (2). Last evaluated 2025-10-20.

Conditions:
RPE65-related disorder. Also called: RPE65-related disorders; RPE65-related condition. Identifiers: MedGen CN239301.
Retinitis pigmentosa 20 (RP20). Identifiers: Orphanet 791, MedGen C3151086, MONDO:0013425, OMIM 613794.
Leber congenital amaurosis 2 (LCA2). Also called: Autosomal Recessive RPE65-Related Retinal Degeneration; AMAUROSIS CONGENITA OF LEBER II. Identifiers: Orphanet 65, MedGen C1859844, MONDO:0008765, OMIM 204100. Disease mechanism: loss of function.

Allele frequency attached by ClinVar (database versions not stated): gnomAD exomes below 0.00001; gnomAD 0.00001 and 0.00002; TOPMed 0.00005.

Submissions (2):

Labcorp Genetics (formerly Invitae), Labcorp
Classification: Likely benign for Leber congenital amaurosis 2; Retinitis pigmentosa 20. Last evaluated: 2025-10-20. Review status: criteria provided, single submitter. Criteria: Invitae Variant Classification Sherloc (09022015). Collection method: clinical testing. Allele origin: germline.

PreventionGenetics, part of Exact Sciences
Classification: Likely benign for RPE65-related condition. Last evaluated: 2025-08-23. Review status: criteria provided, single submitter. Criteria: ACMG Guidelines, 2015. Collection method: clinical testing. Allele origin: germline.
Comment: This variant is classified as likely benign based on ACMG/AMP sequence variant interpretation guidelines (Richards et al. 2015 PMID: 25741868, with internal and published modifications).

NM_000329.3(RPE65):c.825C>T (p.Tyr275=)

Gene: RPE65 (retinoid isomerohydrolase RPE65; minus strand). Cytogenetic location: 1p31.3.
Variant type: single nucleotide variant.
Coding change: c.825C>T on transcript NM_000329.3 (MANE Select); coding-DNA position 825, C replaced by T.
Protein change: p.Tyr275=; no amino-acid change (tyrosine 275 retained).
Molecular consequence: synonymous variant.
Genome position (GRCh38, 1-based): chr1:68,439,224, G>A on the plus strand (C>T on the coding strand, the complement: RPE65 is on the minus strand). VCF-style: chr1-68439224-G-A. GRCh37 (hg19) VCF-style: chr1-68904907-G-A.
Other names: c.825C>T (NM_000329.2).
Identifiers: ClinVar variation 1080725 (VCV001080725.11), dbSNP rs988133284, ClinGen allele CA23570669.